The following is an entry in ClinVar:

ClinVar aggregate classification (germline): Uncertain significance. Review status: criteria provided, multiple submitters, no conflicts (2 of 4 stars). 2 submissions from 2 submitters: Uncertain significance (2). Last evaluated 2025-06-04.

Conditions:
Inborn genetic diseases. Identifiers: MedGen C0950123, MeSH D030342.

Allele frequency attached by ClinVar (database versions not stated): gnomAD 0.00002; 1000 Genomes Project 0.00020; 1000 Genomes Project 30x 0.00031; gnomAD exomes 0.00002; TOPMed 0.00005.
gnomAD v4.1: 23 of 1,596,640 alleles (0.0014%); highest among the groups gnomAD compares: Admixed American, 0.01%; no homozygotes.

Submissions (2):

Ambry Genetics
Classification: Uncertain significance for Inborn genetic diseases. Last evaluated: 2025-06-04. Review status: criteria provided, single submitter. Criteria: Ambry Variant Classification Scheme 2023. Collection method: clinical testing. Allele origin: germline.

Labcorp Genetics (formerly Invitae), Labcorp
Classification: Uncertain significance. Last evaluated: 2021-08-14. Review status: criteria provided, single submitter. Criteria: Invitae Variant Classification Sherloc (09022015). Collection method: clinical testing. Allele origin: germline.
Comment: In summary, the available evidence is currently insufficient to determine the role of this variant in disease. Therefore, it has been classified as a Variant of Uncertain Significance. Algorithms developed to predict the effect of missense changes on protein structure and function (SIFT, PolyPhen-2, Align-GVGD) all suggest that this variant is likely to be tolerated. This variant has not been reported in the literature in individuals affected with PDE8B-related conditions. This variant is not present in population databases (ExAC no frequency). This sequence change replaces glutamic acid with alanine at codon 255 of the PDE8B protein (p.Glu255Ala). The glutamic acid residue is moderately conserved and there is a moderate physicochemical difference between glutamic acid and alanine.

NM_003719.5(PDE8B):c.764A>C (p.Glu255Ala)

Gene: PDE8B (phosphodiesterase 8B; plus strand). Cytogenetic location: 5q13.3.
Variant type: single nucleotide variant.
Coding change: c.764A>C on transcript NM_003719.5 (MANE Select); coding-DNA position 764, A replaced by C.
Protein change: p.Glu255Ala; replaces glutamic acid 255 with alanine.
Molecular consequence: missense variant.
Genome position (GRCh38, 1-based): chr5:77,337,282, A>C. VCF-style: chr5-77337282-A-C. GRCh37 (hg19) VCF-style: chr5-76633107-A-C.
Other names: c.704A>C, p.Glu235Ala (NM_001029853.4); c.764A>C, p.Glu255Ala (NM_001029854.4, NM_001376063.1, NM_001376064.1 and 2 more transcripts); c.761A>C, p.Glu254Ala (NM_001349748.3, NM_001349751.3, NM_001376065.1); c.827A>C, p.Glu276Ala (NM_001349749.3); c.524A>C, p.Glu175Ala (NM_001349750.3); c.461A>C, p.Glu154Ala (NM_001376062.1, NM_001376070.1, NM_001376072.1 and 1 more transcripts); c.401A>C, p.Glu134Ala (NM_001376066.1, NM_001376074.1); c.392A>C, p.Glu131Ala (NM_001376067.1, NM_001376068.1, NM_001349753.2 and 1 more transcripts); and 3 more; short protein forms E154A, E131A, E174A, E276A, E175A, E255A, E134A, E153A.
Identifiers: ClinVar variation 1472202 (VCV001472202.10), dbSNP rs552915542, ClinGen allele CA121061994.
Genomic context (GRCh38, chr5:77,337,282, plus strand): 5'-TTCAGAGATTTATGGAGAATAGCAGCATAATTGCTTGCTATAATGAACTGATTCAAATAG[A>C]ACATGGGGAAGTTCGCTCCCAGTTCAAATTACGGTATGTAGCAAAATGATACAGTAACAT-3'
Protein context (NP_003710.1, residues 245-265): IACYNELIQI[Glu255Ala]HGEVRSQFKL